The following is an entry in ClinVar:

ClinVar aggregate classification (germline): Conflicting classifications of pathogenicity. Review status: criteria provided, conflicting classifications (1 of 4 stars). 3 submissions from 3 submitters: Uncertain significance (2); Likely benign (1). Last evaluated 2026-01-01.

Conditions:
Cardiovascular phenotype. Identifiers: MedGen CN230736.

Allele frequency attached by ClinVar (database versions not stated): gnomAD exomes below 0.00001; TOPMed below 0.00001; ExAC 0.00001; gnomAD 0.00001.
gnomAD v4.1: 6 of 1,614,018 alleles (0.00037%); highest among the groups gnomAD compares: Non-Finnish European, 0.00051%; no homozygotes.

Submissions (3):

CeGaT Center for Human Genetics Tuebingen
Classification: Likely benign. Last evaluated: 2026-01-01. Review status: criteria provided, single submitter. Criteria: CeGaT Center For Human Genetics Tuebingen Variant Classification Criteria Version 2. Collection method: clinical testing. Allele origin: germline. Affected: yes. Observed: 1 variant allele.
Comment: ABCA1: BP4

Labcorp Genetics (formerly Invitae), Labcorp
Classification: Uncertain significance. Last evaluated: 2024-07-18. Review status: criteria provided, single submitter. Criteria: Invitae Variant Classification Sherloc (09022015). Collection method: clinical testing. Allele origin: germline.
Comment: This sequence change replaces valine, which is neutral and non-polar, with isoleucine, which is neutral and non-polar, at codon 2241 of the ABCA1 protein (p.Val2241Ile). This variant is present in population databases (rs762324071, gnomAD 0.002%). This variant has not been reported in the literature in individuals affected with ABCA1-related conditions. ClinVar contains an entry for this variant (Variation ID: 2553516). Advanced modeling of protein sequence and biophysical properties (such as structural, functional, and spatial information, amino acid conservation, physicochemical variation, residue mobility, and thermodynamic stability) performed at Invitae indicates that this missense variant is not expected to disrupt ABCA1 protein function with a negative predictive value of 95%. In summary, the available evidence is currently insufficient to determine the role of this variant in disease. Therefore, it has been classified as a Variant of Uncertain Significance.

Ambry Genetics
Classification: Uncertain significance for Cardiovascular phenotype. Last evaluated: 2023-06-09. Review status: criteria provided, single submitter. Criteria: Ambry Variant Classification Scheme 2023. Collection method: clinical testing. Allele origin: germline.
Comment: The c.6721G>A (p.V2241I) alteration is located in exon 50 (coding exon 49) of the ABCA1 gene. This alteration results from a G to A substitution at nucleotide position 6721, causing the valine (V) at amino acid position 2241 to be replaced by an isoleucine (I). Based on data from gnomAD, the A allele has an overall frequency of 0.001% (2/251292) total alleles studied. The highest observed frequency was 0.002% (2/113606) of European (non-Finnish) alleles. This amino acid position is well conserved in available vertebrate species. This alteration is predicted to be tolerated by in silico analysis. Based on insufficient or conflicting evidence, the clinical significance of this alteration remains unclear.

NM_005502.4(ABCA1):c.6721G>A (p.Val2241Ile)

Genes: ABCA1 (ATP binding cassette subfamily A member 1; minus strand), NIPSNAP3B (nipsnap homolog 3B; plus strand). Cytogenetic location: 9q31.1.
Variant type: single nucleotide variant.
Coding change: c.6721G>A on transcript NM_005502.4 (MANE Select); coding-DNA position 6721, G replaced by A.
Protein change: p.Val2241Ile; replaces valine 2241 with isoleucine.
Molecular consequence: missense variant.
Genome position (GRCh38, 1-based): chr9:104,784,380, C>T on the plus strand (G>A on the coding strand, the complement: ABCA1 is on the minus strand). VCF-style: chr9-104784380-C-T. GRCh37 (hg19) VCF-style: chr9-107546661-C-T.
Other names: short protein forms V2241I.
Identifiers: ClinVar variation 2553516 (VCV002553516.8), dbSNP rs762324071, ClinGen allele CA5167477.
Genomic context (GRCh38, chr9:104,784,380, plus strand): 5'-CATAGCTTTCTTTCACTTTCTCATCCTGTAGAAAAGATGTGAGAACTGCAACGTCCACTA[C>T]TGTCTGGTTTTTGTGTAATGAGAGGTCTTTTAAGTGGTCATCATCACTTTGGTCCTTGGC-3'
Protein context (NP_005493.2, residues 2231-2251): KDLSLHKNQT[Val2241Ile]VDVAVLTSFL